The following is an entry in ClinVar:

NM_000090.4(COL3A1):c.790G>A (p.Gly264Arg)

Gene: COL3A1 (collagen type III alpha 1 chain; plus strand). Cytogenetic location: 2q32.2.
Variant type: single nucleotide variant.
Coding change: c.790G>A on transcript NM_000090.4 (MANE Select); coding-DNA position 790, G replaced by A.
Protein change: p.Gly264Arg; replaces glycine 264 with arginine.
Molecular consequence: missense variant.
Genome position (GRCh38, 1-based): chr2:188,990,352, G>A. VCF-style: chr2-188990352-G-A. GRCh37 (hg19) VCF-style: chr2-189855078-G-A.
Other names: short protein forms G264R.
Identifiers: ClinVar variation 4747087 (VCV004747087.1).

ClinVar aggregate classification (germline): Pathogenic (1 of 4 stars; one submission).

Conditions:
Ehlers-Danlos syndrome, type 4 (EDSVASC). Also called: Ehlers-Danlos syndrome vascular type; Ehlers Danlos syndrome, ecchymotic type; Ehlers Danlos syndrome, arterial type; Ehlers Danlos syndrome, Sack-Barabas type; Ehlers-Danlos Syndrome Type IV. Identifiers: Orphanet 286, MedGen C0268338, MONDO:0017314, OMIM 130050.

Submission:

Labcorp Genetics (formerly Invitae), Labcorp
Classification: Pathogenic for Ehlers-Danlos syndrome, type 4. Last evaluated: 2025-08-22. Review status: criteria provided, single submitter. Criteria: Invitae Variant Classification Sherloc (09022015). Collection method: clinical testing. Allele origin: germline.
Comment: This sequence change replaces glycine, which is neutral and non-polar, with arginine, which is basic and polar, at codon 264 of the COL3A1 protein (p.Gly264Arg). This variant is not present in population databases (gnomAD no frequency). This missense change has been observed in individuals with autosomal dominant COL3A1-related conditions (PMID: 10923041; internal data). This variant is also known as c.892G>A, G97R. Invitae Evidence Modeling of protein sequence and biophysical properties (such as structural, functional, and spatial information, amino acid conservation, physicochemical variation, residue mobility, and thermodynamic stability) indicates that this missense variant is expected to disrupt COL3A1 protein function with a positive predictive value of 95%. This variant disrupts the triple helix domain of COL3A1. Glycine residues within the Gly-Xaa-Yaa repeats of the triple helix domain are required for the structure and stability of fibrillar collagens (PMID: 7695699, 8218237, 19344236). In COL3A1, variants that affect these glycine residues are significantly enriched in individuals with disease (PMID: 24922459, 25758994) compared to the general population (ExAC). For these reasons, this variant has been classified as Pathogenic.

Literature cited by the submitters: PubMed 10923041; PubMed 7695699; PubMed 8218237; PubMed 19344236; PubMed 24922459; PubMed 25758994.